The following is an entry in ClinVar:

NM_025132.4(WDR19):c.1904A>G (p.His635Arg)

Gene: WDR19 (WD repeat domain 19; plus strand). Cytogenetic location: 4p14.
Variant type: single nucleotide variant.
Coding change: c.1904A>G on transcript NM_025132.4 (MANE Select); coding-DNA position 1904, A replaced by G.
Protein change: p.His635Arg; replaces histidine 635 with arginine.
Molecular consequence: missense variant.
Genome position (GRCh38, 1-based): chr4:39,228,612, A>G. VCF-style: chr4-39228612-A-G. GRCh37 (hg19) VCF-style: chr4-39230232-A-G.
Other names: c.1904A>G (NM_025132.3); c.1424A>G, p.His475Arg (NM_001317924.2); short protein forms H475R, H635R.
Identifiers: ClinVar variation 1055679 (VCV001055679.8), dbSNP rs763696990, ClinGen allele CA2891961.
Genomic context (GRCh38, chr4:39,228,612, plus strand): 5'-ATGGAGAGCTGACCTGCCAAACACAGAGTGGAAAAGTAAACAACATCTACCTTAGCACCC[A>G]TGGCTTTCTCAGCAACTTAAAAGATACGGGGCCTGACGAACTGAGACCAATGCTGGCACA-3'
Protein context (NP_079408.3, residues 625-645): GKVNNIYLST[His635Arg]GFLSNLKDTG

ClinVar aggregate classification (germline): Uncertain significance. Review status: criteria provided, multiple submitters, no conflicts (2 of 4 stars). 5 submissions from 5 submitters: Uncertain significance (5). Last evaluated 2025-12-01.

Conditions:
WDR19-related disorder. Also called: WDR19-related disorders; WDR19-related condition. Identifiers: MedGen CN380161.
Cranioectodermal dysplasia 4 (CED4). Identifiers: Orphanet 1515, MedGen C3280616, MONDO:0013719, OMIM 614378.
Asphyxiating thoracic dystrophy 5 (SRTD5). Also called: SHORT-RIB THORACIC DYSPLASIA 5 WITH OR WITHOUT POLYDACTYLY; SHORT-RIB THORACIC DYSPLASIA 5 WITHOUT POLYDACTYLY. Identifiers: Orphanet 474, MedGen C3280598, MONDO:0013717, OMIM 614376.
Nephronophthisis 13 (NPHP13). Identifiers: Orphanet 655, MedGen C3280612, MONDO:0013718, OMIM 614377.
Senior-Loken syndrome 8 (SLSN8). Identifiers: Orphanet 3156, MedGen C4225376, MONDO:0014579, OMIM 616307.
Spermatogenic failure 72 (SPGF72). Identifiers: MedGen C5676980, MONDO:0030809, OMIM 619867.
Inborn genetic diseases. Identifiers: MedGen C0950123, MeSH D030342.

Allele frequency attached by ClinVar (database versions not stated): gnomAD 0.00002; gnomAD exomes 0.00002 and 0.00008; ExAC 0.00003; TOPMed 0.00004.
gnomAD v4.1: 33 of 1,613,484 alleles (0.002%); highest among the groups gnomAD compares: Admixed American, 0.045%; no homozygotes.

Submissions (5):

PreventionGenetics, part of Exact Sciences
Classification: Uncertain significance for WDR19-related condition. Last evaluated: 2025-12-01. Review status: criteria provided, single submitter. Criteria: ACMG Guidelines, 2015. Collection method: clinical testing. Allele origin: germline.
Comment: The WDR19 c.1904A>G variant is predicted to result in the amino acid substitution p.His635Arg. To our knowledge, this variant has not been reported in the literature. This variant is reported in 0.051% of alleles in individuals of Latino descent in gnomAD. Although we suspect that this variant may be benign, at this time, the clinical significance of this variant is uncertain due to the absence of conclusive functional and genetic evidence.

Fulgent Genetics
Classification: Uncertain significance for Asphyxiating thoracic dystrophy 5; Nephronophthisis 13; Cranioectodermal dysplasia 4; Senior-Loken syndrome 8; Spermatogenic failure 72. Last evaluated: 2024-03-29. Review status: criteria provided, single submitter. Criteria: ACMG Guidelines, 2015. Collection method: clinical testing. Allele origin: germline.

Labcorp Genetics (formerly Invitae), Labcorp
Classification: Uncertain significance for Senior-Loken syndrome 8; Asphyxiating thoracic dystrophy 5. Last evaluated: 2022-09-07. Review status: criteria provided, single submitter. Criteria: Invitae Variant Classification Sherloc (09022015). Collection method: clinical testing. Allele origin: germline.
Comment: This sequence change replaces histidine, which is basic and polar, with arginine, which is basic and polar, at codon 635 of the WDR19 protein (p.His635Arg). This variant is present in population databases (rs763696990, gnomAD 0.05%). This variant has not been reported in the literature in individuals affected with WDR19-related conditions. ClinVar contains an entry for this variant (Variation ID: 1055679). Algorithms developed to predict the effect of missense changes on protein structure and function are either unavailable or do not agree on the potential impact of this missense change (SIFT: "Deleterious"; PolyPhen-2: "Probably Damaging"; Align-GVGD: "Class C0"). In summary, the available evidence is currently insufficient to determine the role of this variant in disease. Therefore, it has been classified as a Variant of Uncertain Significance.

Ambry Genetics
Classification: Uncertain significance for Inborn genetic diseases. Last evaluated: 2022-06-21. Review status: criteria provided, single submitter. Criteria: Ambry Variant Classification Scheme 2023. Collection method: clinical testing. Allele origin: germline.

Blueprint Genetics
Classification: Uncertain significance. Last evaluated: 2021-12-13. Review status: criteria provided, single submitter. Criteria: ACMG Guidelines, 2015. Collection method: clinical testing. Allele origin: germline.